The following is an entry in ClinVar:

ClinVar aggregate classification (germline): Uncertain significance (1 of 4 stars; one submission).

Conditions:
Nemaline myopathy 2 (NEM2). Also called: Nemaline myopathy 2, autosomal recessive. Identifiers: MedGen C1850569, MONDO:0009725, OMIM 256030.

Submission:

Labcorp Genetics (formerly Invitae), Labcorp
Classification: Uncertain significance for Nemaline myopathy 2. Last evaluated: 2022-10-17. Review status: criteria provided, single submitter. Criteria: Invitae Variant Classification Sherloc (09022015). Collection method: clinical testing. Allele origin: germline.
Comment: This sequence change replaces asparagine, which is neutral and polar, with lysine, which is basic and polar, at codon 3442 of the NEB protein (p.Asn3442Lys). This variant is not present in population databases (gnomAD no frequency). This variant has not been reported in the literature in individuals affected with NEB-related conditions. Algorithms developed to predict the effect of missense changes on protein structure and function are either unavailable or do not agree on the potential impact of this missense change (SIFT: "Deleterious"; PolyPhen-2: "Not Available"; Align-GVGD: "Class C0"). In summary, the available evidence is currently insufficient to determine the role of this variant in disease. Therefore, it has been classified as a Variant of Uncertain Significance.

NM_001164508.2(NEB):c.10326C>G (p.Asn3442Lys)

Gene: NEB (nebulin; minus strand). Cytogenetic location: 2q23.3.
Variant type: single nucleotide variant.
Coding change: c.10326C>G on transcript NM_001164508.2 (MANE Select); coding-DNA position 10326, C replaced by G.
Protein change: p.Asn3442Lys; replaces asparagine 3442 with lysine.
Molecular consequence: missense variant.
Genome position (GRCh38, 1-based): chr2:151,627,023, G>C on the plus strand (C>G on the coding strand, the complement: NEB is on the minus strand). VCF-style: chr2-151627023-G-C. GRCh37 (hg19) VCF-style: chr2-152483537-G-C.
Other names: c.10326C>G, p.Asn3442Lys (NM_001164507.2, NM_001271208.2); c.9597C>G, p.Asn3199Lys (NM_004543.5); short protein forms N3442K, N3199K.
Identifiers: ClinVar variation 2101364 (VCV002101364.1), dbSNP rs753240480, ClinGen allele CA57647532.